The following is an entry in ClinVar:

ClinVar aggregate classification (germline): Conflicting classifications of pathogenicity. Review status: criteria provided, conflicting classifications (1 of 4 stars). 3 submissions from 3 submitters: Uncertain significance (2); Likely benign (1). Last evaluated 2025-08-07.

Conditions:
Inborn genetic diseases. Identifiers: MedGen C0950123, MeSH D030342.

Allele frequency attached by ClinVar (database versions not stated): TOPMed below 0.00001; gnomAD exomes 0.00001.
gnomAD v4.1: 3 of 1,613,420 alleles (0.00019%); highest among the groups gnomAD compares: Admixed American, 0.0033%; no homozygotes.

Submissions (3):

Labcorp Genetics (formerly Invitae), Labcorp
Classification: Uncertain significance. Last evaluated: 2025-08-07. Review status: criteria provided, single submitter. Criteria: Invitae Variant Classification Sherloc (09022015). Collection method: clinical testing. Allele origin: germline.
Comment: This sequence change replaces arginine, which is basic and polar, with glycine, which is neutral and non-polar, at codon 291 of the ETV6 protein (p.Arg291Gly). This variant is present in population databases (no rsID available, gnomAD 0.003%). This variant has not been reported in the literature in individuals affected with ETV6-related conditions. ClinVar contains an entry for this variant (Variation ID: 2579885). Invitae Evidence Modeling of protein sequence and biophysical properties (such as structural, functional, and spatial information, amino acid conservation, physicochemical variation, residue mobility, and thermodynamic stability) indicates that this missense variant is not expected to disrupt ETV6 protein function with a negative predictive value of 80%. In summary, the available evidence is currently insufficient to determine the role of this variant in disease. Therefore, it has been classified as a Variant of Uncertain Significance.

Ambry Genetics
Classification: Likely benign for Inborn genetic diseases. Last evaluated: 2025-04-17. Review status: criteria provided, single submitter. Criteria: Ambry Variant Classification Scheme 2023. Collection method: clinical testing. Allele origin: germline.

GeneDx
Classification: Uncertain significance. Last evaluated: 2023-03-15. Review status: criteria provided, single submitter. Criteria: GeneDx Variant Classification Process June 2021. Collection method: clinical testing. Allele origin: germline. Affected: yes.
Comment: Not observed at significant frequency in large population cohorts (gnomAD); In silico analysis supports that this missense variant does not alter protein structure/function; Has not been previously published as pathogenic or benign to our knowledge; This variant is associated with the following publications: (PMID: 28555414, 28637624)

NM_001987.5(ETV6):c.871A>G (p.Arg291Gly)

Gene: ETV6 (ETS variant transcription factor 6; plus strand). Cytogenetic location: 12p13.2.
Variant type: single nucleotide variant.
Coding change: c.871A>G on transcript NM_001987.5 (MANE Select); coding-DNA position 871, A replaced by G.
Protein change: p.Arg291Gly; replaces arginine 291 with glycine.
Molecular consequence: missense variant.
Genome position (GRCh38, 1-based): chr12:11,869,831, A>G. VCF-style: chr12-11869831-A-G. GRCh37 (hg19) VCF-style: chr12-12022765-A-G.
Other names: c.868A>G, p.Arg290Gly (NM_001413913.1); c.844A>G, p.Arg282Gly (NM_001413914.1); c.607A>G, p.Arg203Gly (NM_001413915.1); c.871A>G, p.Arg291Gly (NM_001413916.1, NM_001413917.1); short protein forms R203G, R282G, R290G, R291G.
Identifiers: ClinVar variation 2579885 (VCV002579885.5), dbSNP rs970651209, ClinGen allele CA232608320.
Genomic context (GRCh38, chr12:11,869,831, plus strand): 5'-AGCCCCATCATGCACCCTCTGATCCTGAACCCCCGGCACTCCGTGGATTTCAAACAGTCC[A>G]GGCTCTCCGAGGACGGGCTGCATAGGGAAGGGAAGCCCATCAACCTCTCTCATCGGGAAG-3'
Protein context (NP_001978.1, residues 281-301): PRHSVDFKQS[Arg291Gly]LSEDGLHREG